The following is an entry in ClinVar:

NM_001197224.4(BEAN1):c.*1G>C

Gene: BEAN1 (brain expressed associated with NEDD4 1; plus strand). Cytogenetic location: 16q21.
Variant type: single nucleotide variant.
Coding change: c.*1G>C on transcript NM_001197224.4; 1 bases downstream of the stop codon, G replaced by C.
Molecular consequence: 3 prime UTR variant.
Genome position (GRCh38, 1-based): chr16:66,493,066, G>C. VCF-style: chr16-66493066-G-C. GRCh37 (hg19) VCF-style: chr16-66526969-G-C.
Other names: NM_001197225.3:c.252G>C.
Identifiers: ClinVar variation 3054238 (VCV003054238.2), dbSNP rs911363927, ClinGen allele CA282156184.

ClinVar aggregate classification (germline): Likely benign (0 of 4 stars; one submission).

Conditions:
BEAN1-related disorder. Also called: BEAN1-related condition.

Allele frequency attached by ClinVar (database versions not stated): gnomAD 0.00035; gnomAD exomes 0.00002; TOPMed 0.00027; 1000 Genomes Project 30x 0.00047.
gnomAD v4.1: 65 of 703,032 alleles (0.0092%); highest among the groups gnomAD compares: African/African-American, 0.11%; no homozygotes.

Submission:

PreventionGenetics, part of Exact Sciences
Classification: Likely benign for BEAN1-related condition. Last evaluated: 2022-07-28. Review status: no assertion criteria provided. Collection method: clinical testing. Allele origin: germline.
Comment: This variant is classified as likely benign based on ACMG/AMP sequence variant interpretation guidelines (Richards et al. 2015 PMID: 25741868, with internal and published modifications).